The following is an entry in ClinVar:

ClinVar aggregate classification (germline): Uncertain significance. Review status: criteria provided, multiple submitters, no conflicts (2 of 4 stars). 2 submissions from 2 submitters: Uncertain significance (2). Last evaluated 2022-03-23.

Conditions:
Hereditary cancer-predisposing syndrome. Also called: Neoplastic Syndromes, Hereditary; Tumor predisposition; Hereditary Cancer Syndrome; Hereditary neoplastic syndrome. Identifiers: Orphanet 140162, MedGen C0027672, MeSH D009386, MONDO:0015356.

Submissions (2):

Ambry Genetics
Classification: Uncertain significance for Hereditary cancer-predisposing syndrome. Last evaluated: 2022-03-23. Review status: criteria provided, single submitter. Criteria: Ambry Variant Classification Scheme 2023. Collection method: clinical testing. Allele origin: germline.
Comment: The p.S653L variant (also known as c.1958C>T), located in coding exon 12 of the RAD50 gene, results from a C to T substitution at nucleotide position 1958. The serine at codon 653 is replaced by leucine, an amino acid with dissimilar properties. This amino acid position is conserved. In addition, this alteration is predicted to be tolerated by in silico analysis. Since supporting evidence is limited at this time, the clinical significance of this alteration remains unclear.

Labcorp Genetics (formerly Invitae), Labcorp
Classification: Uncertain significance for Hereditary cancer-predisposing syndrome. Last evaluated: 2022-01-13. Review status: criteria provided, single submitter. Criteria: Invitae Variant Classification Sherloc (09022015). Collection method: clinical testing. Allele origin: germline.
Comment: This sequence change replaces serine, which is neutral and polar, with leucine, which is neutral and non-polar, at codon 653 of the RAD50 protein (p.Ser653Leu). This variant is not present in population databases (gnomAD no frequency). This variant has not been reported in the literature in individuals affected with RAD50-related conditions. Algorithms developed to predict the effect of missense changes on protein structure and function (SIFT, PolyPhen-2, Align-GVGD) all suggest that this variant is likely to be tolerated. In summary, the available evidence is currently insufficient to determine the role of this variant in disease. Therefore, it has been classified as a Variant of Uncertain Significance.

NM_005732.4(RAD50):c.1958C>T (p.Ser653Leu)

Gene: RAD50 (RAD50 double strand break repair protein; plus strand). Cytogenetic location: 5q31.1.
Variant type: single nucleotide variant.
Coding change: c.1958C>T on transcript NM_005732.4 (MANE Select); coding-DNA position 1958, C replaced by T.
Protein change: p.Ser653Leu; replaces serine 653 with leucine.
Molecular consequence: missense variant.
Genome position (GRCh38, 1-based): chr5:132,595,033, C>T. VCF-style: chr5-132595033-C-T. GRCh37 (hg19) VCF-style: chr5-131930725-C-T.
Other names: short protein forms S653L.
Identifiers: ClinVar variation 1783354 (VCV001783354.7), dbSNP rs587781904, ClinGen allele CA360948611.